The following is an entry in ClinVar:

ClinVar aggregate classification (germline): Uncertain significance (1 of 4 stars; one submission).

Conditions:
Cardiovascular phenotype. Identifiers: MedGen CN230736.

Submission:

Ambry Genetics
Classification: Uncertain significance for Cardiovascular phenotype. Last evaluated: 2026-03-01. Review status: criteria provided, single submitter. Criteria: Ambry Variant Classification Scheme 2023. Collection method: clinical testing. Allele origin: germline.
Comment: The p.L3302F variant (also known as c.9904C>T), located in coding exon 41 of the AKAP9 gene, results from a C to T substitution at nucleotide position 9904. The leucine at codon 3302 is replaced by phenylalanine, an amino acid with highly similar properties. This amino acid position is conserved. In addition, this alteration is predicted to be tolerated by in silico analysis. Based on the available evidence, the clinical significance of this variant remains unclear.

NM_005751.5(AKAP9):c.9904C>T (p.Leu3302Phe)

Gene: AKAP9 (A-kinase anchoring protein 9; plus strand). Cytogenetic location: 7q21.2.
Variant type: single nucleotide variant.
Coding change: c.9904C>T on transcript NM_005751.5 (MANE Select); coding-DNA position 9904, C replaced by T.
Protein change: p.Leu3302Phe; replaces leucine 3302 with phenylalanine.
Molecular consequence: missense variant.
Genome position (GRCh38, 1-based): chr7:92,096,863, C>T. VCF-style: chr7-92096863-C-T. GRCh37 (hg19) VCF-style: chr7-91726177-C-T.
Other names: c.4549C>T, p.Leu1517Phe (NM_001379277.1); c.9880C>T, p.Leu3294Phe (NM_147185.3); short protein forms L3302F, L1517F, L3294F.
Identifiers: ClinVar variation 4826439 (VCV004826439.1).
Genomic context (GRCh38, chr7:92,096,863, plus strand): 5'-ATGCTATATGATGCCCAGTTGTCAGAAGAACAAGGTCGAAACTTAGAGCTTCAGGTACTT[C>T]TTGAATCTGAGAAAGTTCGAATTCGGGAAATGAGTAGTACCCTAGATAGGGAGCGGGAAT-3'
Protein context (NP_005742.4, residues 3292-3312): QGRNLELQVL[Leu3302Phe]ESEKVRIREM